The following is an entry in ClinVar:

ClinVar aggregate classification (germline): Uncertain significance (1 of 4 stars; one submission).

Conditions:
Marfan syndrome (MFS). Also called: MARFAN SYNDROME, TYPE I; Marfan syndrome type 1; Marfan's syndrome; Marfan syndrome, classic; FBN1-Related Marfan Syndrome. Identifiers: Orphanet 284963, Orphanet 558, MedGen C0024796, MONDO:0007947, OMIM 154700.
Familial thoracic aortic aneurysm and aortic dissection (TAAD). Also called: Thoracic aortic aneurysms and dissections. Identifiers: Orphanet 91387, MedGen C4707243, MONDO:0019625.

Submission:

Labcorp Genetics (formerly Invitae), Labcorp
Classification: Uncertain significance for Marfan syndrome; Familial thoracic aortic aneurysm and aortic dissection. Last evaluated: 2024-10-22. Review status: criteria provided, single submitter. Criteria: Invitae Variant Classification Sherloc (09022015). Collection method: clinical testing. Allele origin: germline.
Comment: This sequence change replaces asparagine, which is neutral and polar, with threonine, which is neutral and polar, at codon 120 of the FBN1 protein (p.Asn120Thr). This variant is not present in population databases (gnomAD no frequency). This missense change has been observed in individual(s) with clinical features of Marfan syndrome (internal data). Invitae Evidence Modeling of protein sequence and biophysical properties (such as structural, functional, and spatial information, amino acid conservation, physicochemical variation, residue mobility, and thermodynamic stability) indicates that this missense variant is not expected to disrupt FBN1 protein function with a negative predictive value of 95%. In summary, the available evidence is currently insufficient to determine the role of this variant in disease. Therefore, it has been classified as a Variant of Uncertain Significance.

NM_000138.5(FBN1):c.359A>C (p.Asn120Thr)

Gene: FBN1 (fibrillin 1; minus strand). Cytogenetic location: 15q21.1.
Variant type: single nucleotide variant.
Coding change: c.359A>C on transcript NM_000138.5 (MANE Select); coding-DNA position 359, A replaced by C.
Protein change: p.Asn120Thr; replaces asparagine 120 with threonine.
Molecular consequence: missense variant.
Genome position (GRCh38, 1-based): chr15:48,600,222, T>G on the plus strand (A>C on the coding strand, the complement: FBN1 is on the minus strand). VCF-style: chr15-48600222-T-G. GRCh37 (hg19) VCF-style: chr15-48892419-T-G.
Other names: c.359A>C, p.Asn120Thr (NM_001406716.1, NM_001406717.1); short protein forms N120T.
Identifiers: ClinVar variation 3750223 (VCV003750223.2).